The following is an entry in ClinVar:

NM_001286555.3(DUSP22):c.427G>A (p.Val143Ile)

Gene: DUSP22 (dual specificity phosphatase 22; plus strand). Cytogenetic location: 6p25.3.
Variant type: single nucleotide variant.
Coding change: c.427G>A on transcript NM_001286555.3 (MANE Select); coding-DNA position 427, G replaced by A.
Protein change: p.Val143Ile; replaces valine 143 with isoleucine.
Molecular consequence: missense variant. On other transcripts: non-coding transcript variant (3).
Genome position (GRCh38, 1-based): chr6:348,266, G>A. VCF-style: chr6-348266-G-A. GRCh37 (hg19) VCF-style: chr6-348266-G-A.
Other names: c.427G>A, p.Val143Ile (NM_020185.6); short protein forms V143I.
Identifiers: ClinVar variation 3049760 (VCV003049760.2), dbSNP rs147464089, ClinGen allele CA3612393.

ClinVar aggregate classification (germline): Likely benign (0 of 4 stars; one submission).

Conditions:
DUSP22-related disorder. Also called: DUSP22-related condition.

Allele frequency attached by ClinVar (database versions not stated): 1000 Genomes Project 0.00080; 1000 Genomes Project 30x 0.00094; gnomAD 0.00119; ESP Exome Variant Server 0.00123; ExAC 0.00141.

Submission:

PreventionGenetics, part of Exact Sciences
Classification: Likely benign for DUSP22-related condition. Last evaluated: 2023-12-20. Review status: no assertion criteria provided. Collection method: clinical testing. Allele origin: germline.
Comment: This variant is classified as likely benign based on ACMG/AMP sequence variant interpretation guidelines (Richards et al. 2015 PMID: 25741868, with internal and published modifications).